The following is an entry in ClinVar:

ClinVar aggregate classification (germline): Likely pathogenic (1 of 4 stars; one submission).

Conditions:
Alstrom syndrome (ALMS). Identifiers: Orphanet 64, MedGen C0268425, MONDO:0008763, OMIM 203800.

Submission:

Labcorp Genetics (formerly Invitae), Labcorp
Classification: Likely pathogenic for Alstrom syndrome. Last evaluated: 2024-01-13. Review status: criteria provided, single submitter. Criteria: Invitae Variant Classification Sherloc (09022015). Collection method: clinical testing. Allele origin: unknown.
Comment: This variant results in a copy number gain of the genomic region encompassing exon(s) 5-6 of the ALMS1 gene. While the exact position of this variant cannot be determined from the data, sub-genic copy number gains are generally in tandem (PMID: 25640679). This variant is predicted to be out-of-frame, and may result in an absent or disrupted protein product. Loss-of-function variants in ALMS1 are known to be pathogenic (PMID: 17594715). This variant has not been reported in the literature in individuals affected with ALMS1-related conditions. In summary, the currently available evidence indicates that the variant is pathogenic, but additional data are needed to prove that conclusively. Therefore, this variant has been classified as Likely Pathogenic.

Literature cited by the submitters: PubMed 25640679; PubMed 17594715.

NC_000002.11:g.(?_73651538)_(73653701_?)dup

Gene: ALMS1 (ALMS1 centrosome and basal body associated protein; plus strand). Cytogenetic location: 2p13.1.
Variant type: Duplication.
Identifiers: ClinVar variation 3247159 (VCV003247159.1).